The following is an entry in ClinVar:

ClinVar aggregate classification (germline): Pathogenic (1 of 4 stars; one submission).

Conditions:
Intellectual developmental disorder, autosomal recessive 68. Also called: MENTAL RETARDATION, AUTOSOMAL RECESSIVE 68. Identifiers: MedGen C4749033, MONDO:0032665, OMIM 618302.

Submission:

Women's Health and Genetics/Laboratory Corporation of America, LabCorp
Classification: Pathogenic for Intellectual developmental disorder, autosomal recessive 68. Last evaluated: 2024-07-05. Review status: criteria provided, single submitter. Criteria: LabCorp Variant Classification Summary - May 2015. Collection method: clinical testing. Allele origin: germline.
Comment: Variant summary: TRMT1 c.713delC (p.Pro238GlnfsX12) results in a premature termination codon, predicted to cause absence of the protein due to nonsense mediated decay, which is a commonly known mechanism for disease. The variant was absent in 250348 control chromosomes. To our knowledge, no occurrence of c.713delC in individuals affected with Intellectual Developmental Disorder, Autosomal Recessive 68 and no experimental evidence demonstrating its impact on protein function have been reported. No submitters have cited clinical-significance assessments for this variant to ClinVar. Based on the evidence outlined above, the variant was classified as pathogenic.

NM_001136035.4(TRMT1):c.713del (p.Pro238fs)

Gene: TRMT1 (tRNA methyltransferase 1; minus strand). Cytogenetic location: 19p13.13.
Variant type: Deletion.
Coding change: c.713del on transcript NM_001136035.4 (MANE Select); coding-DNA position 713, one base deleted (C; older notation c.713delC).
Protein change: p.Pro238fs; shifts the reading frame from proline 238.
Molecular consequence: frameshift variant. On other transcripts: 5 prime UTR variant (1).
Genome position (GRCh38, 1-based): chr19:13,112,940, G deleted on the plus strand (C on the coding strand, the reverse complement: TRMT1 is on the minus strand); the first of 3 consecutive G bases (chr19:13,112,940-13,112,942); deleting any one gives the same sequence. VCF-style (leftmost placement, unchanged base first): chr19-13112939-TG-T. GRCh37 (hg19) VCF-style: chr19-13223753-TG-T.
Other names: c.713del, p.Pro238fs (NM_001142554.3, NM_001351760.2, NM_017722.5); c.605del, p.Pro202fs (NM_001351761.2); c.-58del (NM_001351762.2); c.713delC (NM_017722.5); short protein forms P202fs, P238fs.
Identifiers: ClinVar variation 3339129 (VCV003339129.1).